The following is an entry in ClinVar:

NM_177438.3(DICER1):c.3763A>T (p.Ser1255Cys)

Gene: DICER1 (dicer 1, ribonuclease III; minus strand). Cytogenetic location: 14q32.13.
Variant type: single nucleotide variant.
Coding change: c.3763A>T on transcript NM_177438.3 (MANE Select); coding-DNA position 3763, A replaced by T.
Protein change: p.Ser1255Cys; replaces serine 1255 with cysteine.
Molecular consequence: missense variant. On other transcripts: non-coding transcript variant (6).
Genome position (GRCh38, 1-based): chr14:95,103,633, T>A on the plus strand (A>T on the coding strand, the complement: DICER1 is on the minus strand). VCF-style: chr14-95103633-T-A. GRCh37 (hg19) VCF-style: chr14-95569970-T-A.
Other names: c.3763A>T, p.Ser1255Cys (NM_001195573.1, NM_001271282.3, NM_001291628.2 and 12 more transcripts); c.3481A>T, p.Ser1161Cys (NM_001395686.1); c.3358A>T, p.Ser1120Cys (NM_001395687.1, NM_001395688.1, NM_001395689.1 and 2 more transcripts); c.3196A>T, p.Ser1066Cys (NM_001395691.1); c.2080A>T, p.Ser694Cys (NM_001395697.1); short protein forms S1066C, S1120C, S1161C, S1255C, S694C.
Identifiers: ClinVar variation 4869812 (VCV004869812.1).
Genomic context (GRCh38, chr14:95,103,633, plus strand): 5'-TCCTGCCCTTGAGCACTTGAATAGTGTCTGTCGTACCAGGCATTACGGCCATCACAGGAC[T>A]TCCATCTGAGGTAGATTTGTTAGCATTTCCATCAAGGTATTTATTACTCAGGAGAGTACA-3'
Protein context (NP_803187.1, residues 1245-1265): GNANKSTSDG[Ser1255Cys]PVMAVMPGTT

ClinVar aggregate classification (germline): Uncertain significance (1 of 4 stars; one submission).

Conditions:
Hereditary cancer-predisposing syndrome. Also called: Neoplastic Syndromes, Hereditary; Tumor predisposition; Hereditary Cancer Syndrome; Hereditary neoplastic syndrome. Identifiers: Orphanet 140162, MedGen C0027672, MeSH D009386, MONDO:0015356.

Submission:

Ambry Genetics
Classification: Uncertain significance for Hereditary cancer-predisposing syndrome. Last evaluated: 2026-06-08. Review status: criteria provided, single submitter. Criteria: Ambry Variant Classification Scheme 2023. Collection method: clinical testing. Allele origin: germline.
Comment: The p.S1255C variant (also known as c.3763A>T), located in coding exon 20 of the DICER1 gene, results from an A to T substitution at nucleotide position 3763. The serine at codon 1255 is replaced by cysteine, an amino acid with dissimilar properties. This amino acid position is conserved. In addition, this alteration is predicted to be tolerated by in silico analysis. Based on the available evidence, the clinical significance of this variant remains unclear.